The following is an entry in ClinVar:

NM_001193313.2(SUGCT):c.486G>A (p.Gly162=)

Gene: SUGCT (succinyl-CoA:glutarate-CoA transferase; plus strand). Cytogenetic location: 7p14.1.
Variant type: single nucleotide variant.
Coding change: c.486G>A on transcript NM_001193313.2 (MANE Select); coding-DNA position 486, G replaced by A.
Protein change: p.Gly162=; no amino-acid change (glycine 162 retained).
Molecular consequence: synonymous variant.
Genome position (GRCh38, 1-based): chr7:40,237,636, G>A. VCF-style: chr7-40237636-G-A. GRCh37 (hg19) VCF-style: chr7-40277235-G-A.
Other names: c.486G>A, p.Gly162= (NM_001193311.2, NM_001193312.2); c.375G>A, p.Gly125= (NM_024728.3).
Identifiers: ClinVar variation 4534498 (VCV004534498.6).

ClinVar aggregate classification (germline): Likely benign (1 of 4 stars; one submission).

gnomAD v4.1: 9 of 1,613,492 alleles (0.00056%); highest among the groups gnomAD compares: Non-Finnish European, 0.00076%; no homozygotes.

Submission:

CeGaT Center for Human Genetics Tuebingen
Classification: Likely benign. Last evaluated: 2025-10-01. Review status: criteria provided, single submitter. Criteria: CeGaT Center For Human Genetics Tuebingen Variant Classification Criteria Version 2. Collection method: clinical testing. Allele origin: germline. Affected: yes. Observed: 1 variant allele.
Comment: SUGCT: BP4, BP7